The following is an entry in ClinVar:

NM_001199138.2(NLRC4):c.488G>A (p.Ser163Asn)

Gene: NLRC4 (NLR family CARD domain containing 4; minus strand). Cytogenetic location: 2p22.3.
Variant type: single nucleotide variant.
Coding change: c.488G>A on transcript NM_001199138.2 (MANE Select); coding-DNA position 488, G replaced by A.
Protein change: p.Ser163Asn; replaces serine 163 with asparagine.
Molecular consequence: missense variant. On other transcripts: intron variant (1).
Genome position (GRCh38, 1-based): chr2:32,251,376, C>T on the plus strand (G>A on the coding strand, the complement: NLRC4 is on the minus strand). VCF-style: chr2-32251376-C-T. GRCh37 (hg19) VCF-style: chr2-32476445-C-T.
Other names: c.488G>A, p.Ser163Asn (NM_001199139.2, NM_021209.5); c.262+1043G>A (NM_001302504.1); short protein forms S163N.
Identifiers: ClinVar variation 3756620 (VCV003756620.3).

ClinVar aggregate classification (germline): Conflicting classifications of pathogenicity. Review status: criteria provided, conflicting classifications (1 of 4 stars). 2 submissions from 2 submitters: Uncertain significance (1); Likely benign (1). Last evaluated 2026-02-21.

Conditions:
Periodic fever-infantile enterocolitis-autoinflammatory syndrome. Also called: Autoinflammation with infantile enterocolitis. Identifiers: Orphanet 436166, MedGen C4015067, MONDO:0014472, OMIM 616050.
Familial cold autoinflammatory syndrome 4 (FCAS4). Identifiers: Orphanet 47045, Orphanet 576349, MedGen C4015276, MONDO:0014498, OMIM 616115.

Submissions (2):

Centre for Medical Genetics,  Mumbai
Classification: Likely benign for Periodic fever-infantile enterocolitis-autoinflammatory syndrome. Last evaluated: 2026-02-21. Review status: criteria provided, single submitter. Criteria: ACMG Guidelines, 2015. Collection method: provider interpretation. Allele origin: germline. Inheritance: Autosomal dominant inheritance. Affected: no. Observed: 1 heterozygote.
Comment: The variant satisfies PM2 criteria; extremely low frequency in gnomAD population databases. The variant satisfies BP4 criteria; for a missense or a splice region variant, computational prediction tools unanimously support a benign effect on the gene. However, the variant satisfies BS2 criteria.

Labcorp Genetics (formerly Invitae), Labcorp
Classification: Uncertain significance for Periodic fever-infantile enterocolitis-autoinflammatory syndrome; Familial cold autoinflammatory syndrome 4. Last evaluated: 2024-05-31. Review status: criteria provided, single submitter. Criteria: Invitae Variant Classification Sherloc (09022015). Collection method: clinical testing. Allele origin: germline.
Comment: This sequence change replaces serine, which is neutral and polar, with asparagine, which is neutral and polar, at codon 163 of the NLRC4 protein (p.Ser163Asn). This variant is not present in population databases (gnomAD no frequency). This variant has not been reported in the literature in individuals affected with NLRC4-related conditions. Advanced modeling of protein sequence and biophysical properties (such as structural, functional, and spatial information, amino acid conservation, physicochemical variation, residue mobility, and thermodynamic stability) performed at Invitae indicates that this missense variant is not expected to disrupt NLRC4 protein function with a negative predictive value of 80%. In summary, the available evidence is currently insufficient to determine the role of this variant in disease. Therefore, it has been classified as a Variant of Uncertain Significance.

Literature cited by the submitters: PubMed 25217960 (cited by Centre for Medical Genetics,  Mumbai).